The following is an entry in ClinVar:

NM_030662.4(MAP2K2):c.928A>G (p.Met310Val)

Gene: MAP2K2 (mitogen-activated protein kinase kinase 2; minus strand). Cytogenetic location: 19p13.3.
Variant type: single nucleotide variant.
Coding change: c.928A>G on transcript NM_030662.4 (MANE Select); coding-DNA position 928, A replaced by G.
Protein change: p.Met310Val; replaces methionine 310 with valine.
Molecular consequence: missense variant.
Genome position (GRCh38, 1-based): chr19:4,097,335, T>C on the plus strand (A>G on the coding strand, the complement: MAP2K2 is on the minus strand). VCF-style: chr19-4097335-T-C. GRCh37 (hg19) VCF-style: chr19-4097333-T-C.
Other names: short protein forms M310V.
Identifiers: ClinVar variation 1254454 (VCV001254454.7), dbSNP rs766715536, ClinGen allele CA9090761.

ClinVar aggregate classification (germline): Uncertain significance. Review status: criteria provided, multiple submitters, no conflicts (2 of 4 stars). 2 submissions from 2 submitters: Uncertain significance (2). Last evaluated 2025-12-14.

Conditions:
RASopathy. Also called: rasopathies; Noonan spectrum disorder. Identifiers: Orphanet 536391, MedGen C5555857, MONDO:0021060.

Allele frequency attached by ClinVar (database versions not stated): TOPMed below 0.00001; gnomAD 0.00001; gnomAD exomes 0.00001; ExAC 0.00002.

Submissions (2):

Labcorp Genetics (formerly Invitae), Labcorp
Classification: Uncertain significance for RASopathy. Last evaluated: 2025-12-14. Review status: criteria provided, single submitter. Criteria: Invitae Variant Classification Sherloc (09022015). Collection method: clinical testing. Allele origin: germline.
Comment: This sequence change replaces methionine, which is neutral and non-polar, with valine, which is neutral and non-polar, at codon 310 of the MAP2K2 protein (p.Met310Val). This variant is present in population databases (rs766715536, gnomAD 0.006%). This variant has not been reported in the literature in individuals affected with MAP2K2-related conditions. ClinVar contains an entry for this variant (Variation ID: 1254454). Invitae Evidence Modeling of protein sequence and biophysical properties (such as structural, functional, and spatial information, amino acid conservation, physicochemical variation, residue mobility, and thermodynamic stability) indicates that this missense variant is not expected to disrupt MAP2K2 protein function with a negative predictive value of 95%. In summary, the available evidence is currently insufficient to determine the role of this variant in disease. Therefore, it has been classified as a Variant of Uncertain Significance.

GeneDx
Classification: Uncertain significance. Last evaluated: 2021-02-03. Review status: criteria provided, single submitter. Criteria: GeneDx Variant Classification Process June 2021. Collection method: clinical testing. Allele origin: germline. Affected: yes.
Comment: Has not been previously published as pathogenic or benign to our knowledge; Missense variants in this gene are often considered pathogenic (Stenson et al., 2014); In silico analysis supports that this missense variant does not alter protein structure/function